The following is an entry in ClinVar:

ClinVar aggregate classification (germline): Uncertain significance (1 of 4 stars; one submission).

Submission:

GeneDx
Classification: Uncertain significance. Last evaluated: 2026-04-06. Review status: criteria provided, single submitter. Criteria: GeneDx Variant Classification Process June 2021. Collection method: clinical testing. Allele origin: germline.
Comment: Not observed at significant frequency in large population cohorts (gnomAD); In silico analysis supports that this missense variant has a deleterious effect on protein structure/function; Has not been previously published as pathogenic or benign to our knowledge

NM_024996.7(GFM1):c.503C>T (p.Pro168Leu)

Gene: GFM1 (G elongation factor mitochondrial 1; plus strand). Cytogenetic location: 3q25.32.
Variant type: single nucleotide variant.
Coding change: c.503C>T on transcript NM_024996.7 (MANE Select); coding-DNA position 503, C replaced by T.
Protein change: p.Pro168Leu; replaces proline 168 with leucine.
Molecular consequence: missense variant. On other transcripts: non-coding transcript variant (3), intron variant (4).
Genome position (GRCh38, 1-based): chr3:158,646,878, C>T. VCF-style: chr3-158646878-C-T. GRCh37 (hg19) VCF-style: chr3-158364667-C-T.
Other names: c.503C>T, p.Pro168Leu (NM_001374356.1, NM_001308164.2, NM_001308166.2 and 1 more transcripts); c.278C>T, p.Pro93Leu (NM_001374357.1); c.5+1097C>T (NM_001374359.1, NM_001374360.1, NM_001374361.1); c.234+1097C>T (NM_001374358.1); short protein forms P168L, P93L.
Identifiers: ClinVar variation 5017327 (VCV005017327.1).